The following is an entry in ClinVar:

NM_053025.4(MYLK):c.416C>T (p.Thr139Ile)

Gene: MYLK (myosin light chain kinase; minus strand). Cytogenetic location: 3q21.1.
Variant type: single nucleotide variant.
Coding change: c.416C>T on transcript NM_053025.4 (MANE Select); coding-DNA position 416, C replaced by T.
Protein change: p.Thr139Ile; replaces threonine 139 with isoleucine.
Molecular consequence: missense variant. On other transcripts: 5 prime UTR variant (1).
Genome position (GRCh38, 1-based): chr3:123,739,959, G>A on the plus strand (C>T on the coding strand, the complement: MYLK is on the minus strand). VCF-style: chr3-123739959-G-A. GRCh37 (hg19) VCF-style: chr3-123458806-G-A.
Other names: c.-113C>T (NM_001321309.2); c.416C>T, p.Thr139Ile (NM_053026.4, NM_053027.4, NM_053028.4); short protein forms T139I.
Identifiers: ClinVar variation 4698483 (VCV004698483.1).

ClinVar aggregate classification (germline): Uncertain significance (1 of 4 stars; one submission).

Conditions:
Aortic aneurysm, familial thoracic 7 (AAT7). Also called: AORTIC DISSECTION, FAMILIAL, WITH OR WITHOUT AORTIC ANEURYSM. Identifiers: MedGen C3151077, MONDO:0013418, OMIM 613780.

gnomAD v4.1: 1 of 1,613,934 alleles (0.000062%); highest among the groups gnomAD compares: Non-Finnish European, 0.000085%; no homozygotes.

Submission:

Labcorp Genetics (formerly Invitae), Labcorp
Classification: Uncertain significance for Aortic aneurysm, familial thoracic 7. Last evaluated: 2025-04-29. Review status: criteria provided, single submitter. Criteria: Invitae Variant Classification Sherloc (09022015). Collection method: clinical testing. Allele origin: germline.
Comment: This sequence change replaces threonine, which is neutral and polar, with isoleucine, which is neutral and non-polar, at codon 139 of the MYLK protein (p.Thr139Ile). This variant is not present in population databases (gnomAD no frequency). This variant has not been reported in the literature in individuals affected with MYLK-related conditions. Invitae Evidence Modeling of protein sequence and biophysical properties (such as structural, functional, and spatial information, amino acid conservation, physicochemical variation, residue mobility, and thermodynamic stability) indicates that this missense variant is not expected to disrupt MYLK protein function with a negative predictive value of 95%. In summary, the available evidence is currently insufficient to determine the role of this variant in disease. Therefore, it has been classified as a Variant of Uncertain Significance.